The following is an entry in ClinVar:

NM_201384.3(PLEC):c.9265C>T (p.Pro3089Ser)

Gene: PLEC (plectin; minus strand). Cytogenetic location: 8q24.3.
Variant type: single nucleotide variant.
Coding change: c.9265C>T on transcript NM_201384.3 (MANE Select); coding-DNA position 9265, C replaced by T.
Protein change: p.Pro3089Ser; replaces proline 3089 with serine.
Molecular consequence: missense variant.
Genome position (GRCh38, 1-based): chr8:143,920,556, G>A on the plus strand (C>T on the coding strand, the complement: PLEC is on the minus strand). VCF-style: chr8-143920556-G-A. GRCh37 (hg19) VCF-style: chr8-144994724-G-A.
Other names: c.9346C>T, p.Pro3116Ser (NM_000445.5); c.5965C>T, p.Pro1989Ser (NM_001410941.1); c.9223C>T, p.Pro3075Ser (NM_201378.4); c.9199C>T, p.Pro3067Ser (NM_201379.3); c.9676C>T, p.Pro3226Ser (NM_201380.4); c.9169C>T, p.Pro3057Ser (NM_201381.3); c.9265C>T, p.Pro3089Ser (NM_201382.4); c.9277C>T, p.Pro3093Ser (NM_201383.3); short protein forms P3093S, P3075S, P3057S, P3089S, P3116S, P3226S, P1989S, P3067S.
Identifiers: ClinVar variation 2130500 (VCV002130500.4), dbSNP rs2537378022, ClinGen allele CA372511165.

ClinVar aggregate classification (germline): Uncertain significance (1 of 4 stars; one submission).

Conditions:
Epidermolysis bullosa simplex with nail dystrophy (EBS5D). Identifiers: MedGen C4225309, MONDO:0014661, OMIM 616487.
Autosomal recessive limb-girdle muscular dystrophy type 2Q (LGMDR17). Also called: MUSCULAR DYSTROPHY, LIMB-GIRDLE, AUTOSOMAL RECESSIVE 17. Identifiers: Orphanet 254361, MedGen C3150989, MONDO:0013390, OMIM 613723.
Epidermolysis bullosa simplex 5B, with muscular dystrophy (EBS5B). Also called: EPIDERMOLYSIS BULLOSA SIMPLEX AND LIMB-GIRDLE MUSCULAR DYSTROPHY; Epidermolysis bullosa simplex with muscular dystrophy. Identifiers: Orphanet 257, MedGen C2931072, MONDO:0009181, OMIM 226670.
Epidermolysis bullosa simplex, Ogna type (EBS5A). Also called: Pidermolysis bullosa simplex 5A, Ogna type; EPIDERMOLYSIS BULLOSA SIMPLEX 5A, OGNA TYPE. Identifiers: Orphanet 79401, MedGen C0432317, MONDO:0007555, OMIM 131950.
Epidermolysis bullosa simplex 5C, with pyloric atresia (EBS5C). Also called: PLEC-Related Epidermolysis Bullosa with Pyloric Atresia; Epidermolysis bullosa simplex with pyloric atresia; PLEC1-Related Epidermolysis Bullosa with Pyloric Atresia. Identifiers: Orphanet 158684, MedGen C2677349, MONDO:0012807, OMIM 612138.

Submission:

Labcorp Genetics (formerly Invitae), Labcorp
Classification: Uncertain significance for Autosomal recessive limb-girdle muscular dystrophy type 2Q; Epidermolysis bullosa simplex, Ogna type; Epidermolysis bullosa simplex with nail dystrophy; Epidermolysis bullosa simplex 5C, with pyloric atresia; Epidermolysis bullosa simplex 5B, with muscular dystrophy. Last evaluated: 2022-07-13. Review status: criteria provided, single submitter. Criteria: Invitae Variant Classification Sherloc (09022015). Collection method: clinical testing. Allele origin: germline.
Comment: This sequence change replaces proline, which is neutral and non-polar, with serine, which is neutral and polar, at codon 3116 of the PLEC protein (p.Pro3116Ser). This variant is not present in population databases (gnomAD no frequency). This variant has not been reported in the literature in individuals affected with PLEC-related conditions. Algorithms developed to predict the effect of missense changes on protein structure and function (SIFT, PolyPhen-2, Align-GVGD) all suggest that this variant is likely to be disruptive. In summary, the available evidence is currently insufficient to determine the role of this variant in disease. Therefore, it has been classified as a Variant of Uncertain Significance.